The following is an entry in ClinVar:

ClinVar aggregate classification (germline): Likely pathogenic (1 of 4 stars; one submission).

Submission:

Labcorp Genetics (formerly Invitae), Labcorp
Classification: Likely pathogenic. Last evaluated: 2022-03-03. Review status: criteria provided, single submitter. Criteria: Invitae Variant Classification Sherloc (09022015). Collection method: clinical testing. Allele origin: germline.
Comment: This variant has not been reported in the literature in individuals affected with COL7A1-related conditions. In summary, the currently available evidence indicates that the variant is pathogenic, but additional data are needed to prove that conclusively. Therefore, this variant has been classified as Likely Pathogenic. Algorithms developed to predict the effect of sequence changes on RNA splicing suggest that this variant may disrupt the consensus splice site. This variant is not present in population databases (gnomAD no frequency). This sequence change affects a donor splice site in intron 88 of the COL7A1 gene. It is expected to disrupt RNA splicing. Variants that disrupt the donor or acceptor splice site typically lead to a loss of protein function (PMID: 16199547), and loss-of-function variants in COL7A1 are known to be pathogenic (PMID: 16971478).

Literature cited by the submitters: PubMed 16199547; PubMed 16971478.

NM_000094.4(COL7A1):c.6936+1G>C

Gene: COL7A1 (collagen type VII alpha 1 chain; minus strand). Cytogenetic location: 3p21.31.
Variant type: single nucleotide variant.
Coding change: c.6936+1G>C on transcript NM_000094.4 (MANE Select); the canonical splice donor site of the intron after coding-DNA position 6936, G replaced by C.
Molecular consequence: splice donor variant.
Genome position (GRCh38, 1-based): chr3:48,572,502, C>G on the plus strand (G>C on the coding strand, the complement: COL7A1 is on the minus strand). VCF-style: chr3-48572502-C-G. GRCh37 (hg19) VCF-style: chr3-48609935-C-G.
Identifiers: ClinVar variation 2099816 (VCV002099816.4), dbSNP rs1453794304, ClinGen allele CA352652852.